The following is an entry in ClinVar:

ClinVar aggregate classification (germline): Likely pathogenic (1 of 4 stars; one submission).

Conditions:
Junctional epidermolysis bullosa. Identifiers: Orphanet 305, MedGen C0079301, MONDO:0017612.

Submission:

Myriad Genetics, Inc.
Classification: Likely pathogenic for Junctional epidermolysis bullosa. Last evaluated: 2025-09-02. Review status: criteria provided, single submitter. Criteria: Myriad Autosomal Dominant, Autosomal Recessive and X-Linked Classification Criteria (2023). Collection method: clinical testing. Allele origin: unknown.
Comment: NM_005562.2(LAMC2):c.2601+2T>C is a variant in a canonical splice site classified as likely pathogenic in the context of junctional epidermolysis bullosa, LAMC2-related. c.2601+2T>C has not been observed in cases with relevant disease. Relevant functional assessments of this variant are not available in the literature. c.2601+2T>C has been observed in referenced population frequency databases. In summary, NM_005562.2(LAMC2):c.2601+2T>C is a variant in a canonical splice site in a gene where loss of function is a known mechanism of disease and is predicted to disrupt protein function. Please note: this variant was assessed in the context of healthy population screening.

NM_005562.3(LAMC2):c.2601+2T>C

Gene: LAMC2 (laminin subunit gamma 2; plus strand). Cytogenetic location: 1q25.3.
Variant type: single nucleotide variant.
Coding change: c.2601+2T>C on transcript NM_005562.3 (MANE Select); the canonical splice donor site of the intron after coding-DNA position 2601, T replaced by C.
Molecular consequence: splice donor variant.
Genome position (GRCh38, 1-based): chr1:183,236,606, T>C. VCF-style: chr1-183236606-T-C. GRCh37 (hg19) VCF-style: chr1-183205741-T-C.
Other names: c.2601+2T>C (NM_018891.3).
Identifiers: ClinVar variation 5003391 (VCV005003391.1).